The following is an entry in ClinVar:

ClinVar aggregate classification (germline): Likely benign (1 of 4 stars; one submission).

Submission:

CeGaT Center for Human Genetics Tuebingen
Classification: Likely benign. Last evaluated: 2024-08-01. Review status: criteria provided, single submitter. Criteria: CeGaT Center For Human Genetics Tuebingen Variant Classification Criteria Version 2. Collection method: clinical testing. Allele origin: germline. Affected: yes. Observed: 1 variant allele.
Comment: MYH11: PM2:Supporting, BP4, BP7

NM_002474.3(MYH11):c.3288G>T (p.Leu1096=)

Gene: MYH11 (myosin heavy chain 11; minus strand). Cytogenetic location: 16p13.11.
Variant type: single nucleotide variant.
Coding change: c.3288G>T on transcript NM_002474.3 (MANE Select); coding-DNA position 3288, G replaced by T.
Protein change: p.Leu1096=; no amino-acid change (leucine 1096 retained).
Molecular consequence: synonymous variant.
Genome position (GRCh38, 1-based): chr16:15,737,454, C>A on the plus strand (G>T on the coding strand, the complement: MYH11 is on the minus strand). VCF-style: chr16-15737454-C-A. GRCh37 (hg19) VCF-style: chr16-15831311-C-A.
Other names: c.3309G>T, p.Leu1103= (NM_001040113.2, NM_001040114.2); c.3288G>T, p.Leu1096= (NM_022844.3).
Identifiers: ClinVar variation 3341806 (VCV003341806.16).